The following is an entry in ClinVar:

NM_001199138.2(NLRC4):c.2177T>G (p.Ile726Arg)

Gene: NLRC4 (NLR family CARD domain containing 4; minus strand). Cytogenetic location: 2p22.3.
Variant type: single nucleotide variant.
Coding change: c.2177T>G on transcript NM_001199138.2 (MANE Select); coding-DNA position 2177, T replaced by G.
Protein change: p.Ile726Arg; replaces isoleucine 726 with arginine.
Molecular consequence: missense variant. On other transcripts: intron variant (1).
Genome position (GRCh38, 1-based): chr2:32,249,687, A>C on the plus strand (T>G on the coding strand, the complement: NLRC4 is on the minus strand). VCF-style: chr2-32249687-A-C. GRCh37 (hg19) VCF-style: chr2-32474756-A-C.
Other names: c.2177T>G, p.Ile726Arg (NM_001199139.2, NM_021209.5); c.262+2732T>G (NM_001302504.1); short protein forms I726R.
Identifiers: ClinVar variation 2498811 (VCV002498811.28), dbSNP rs143970368, ClinGen allele CA346510827.

ClinVar aggregate classification (germline): Uncertain significance (1 of 4 stars; one submission).

Submission:

CeGaT Center for Human Genetics Tuebingen
Classification: Uncertain significance. Last evaluated: 2023-03-01. Review status: criteria provided, single submitter. Criteria: CeGaT Center For Human Genetics Tuebingen Variant Classification Criteria Version 2. Collection method: clinical testing. Allele origin: germline. Affected: yes. Observed: 1 variant allele.
Comment: NLRC4: PM2